The following is an entry in ClinVar:

NM_014862.4(ARNT2):c.1079A>G (p.Tyr360Cys)

Gene: ARNT2 (aryl hydrocarbon receptor nuclear translocator 2; plus strand). Cytogenetic location: 15q25.1.
Variant type: single nucleotide variant.
Coding change: c.1079A>G on transcript NM_014862.4 (MANE Select); coding-DNA position 1079, A replaced by G.
Protein change: p.Tyr360Cys; replaces tyrosine 360 with cysteine.
Molecular consequence: missense variant.
Genome position (GRCh38, 1-based): chr15:80,552,764, A>G. VCF-style: chr15-80552764-A-G. GRCh37 (hg19) VCF-style: chr15-80845105-A-G.
Other names: short protein forms Y360C.
Identifiers: ClinVar variation 2170438 (VCV002170438.4), dbSNP rs757606373, ClinGen allele CA7691905.
Genomic context (GRCh38, chr15:80,552,764, plus strand): 5'-GGCATAACTCCGATGGAATCATCACATTTGTGGATCCAAGATGTATCAGTGTGATTGGCT[A>G]CCAACCCCAGGTGAGTAGATAGTTTTGAGCCTATGGCAATTGACTAGAGATTTAATTGTT-3'
Protein context (NP_055677.3, residues 350-370): VDPRCISVIG[Tyr360Cys]QPQDLLGKDI

ClinVar aggregate classification (germline): Uncertain significance (1 of 4 stars; one submission).

Allele frequency attached by ClinVar (database versions not stated): TOPMed below 0.00001; ExAC 0.00001; gnomAD exomes 0.00001.
gnomAD v4.1: 8 of 1,614,074 alleles (0.0005%); highest among the groups gnomAD compares: Admixed American, 0.012%; no homozygotes.

Submission:

Labcorp Genetics (formerly Invitae), Labcorp
Classification: Uncertain significance. Last evaluated: 2022-08-03. Review status: criteria provided, single submitter. Criteria: Invitae Variant Classification Sherloc (09022015). Collection method: clinical testing. Allele origin: germline.
Comment: In summary, the available evidence is currently insufficient to determine the role of this variant in disease. Therefore, it has been classified as a Variant of Uncertain Significance. Algorithms developed to predict the effect of missense changes on protein structure and function (SIFT, PolyPhen-2, Align-GVGD) all suggest that this variant is likely to be disruptive. This variant has not been reported in the literature in individuals affected with ARNT2-related conditions. This variant is present in population databases (rs757606373, gnomAD 0.01%). This sequence change replaces tyrosine, which is neutral and polar, with cysteine, which is neutral and slightly polar, at codon 360 of the ARNT2 protein (p.Tyr360Cys).